The following is an entry in ClinVar:

ClinVar aggregate classification (germline): Benign/Likely benign. Review status: criteria provided, multiple submitters, no conflicts (2 of 4 stars). 4 submissions from 4 submitters: Benign (1); Likely benign (2). 1 of the submissions does not count toward it. Last evaluated 2026-01-26.

Conditions:
A2ML1-related disorder. Also called: A2ML1-related condition.

Allele frequency attached by ClinVar (database versions not stated): TOPMed 0.00002; gnomAD 0.00003; ExAC 0.00006; 1000 Genomes Project 0.00020; 1000 Genomes Project 30x 0.00031.
gnomAD v4.1: 74 of 1,613,774 alleles (0.0046%); highest among the groups gnomAD compares: South Asian, 0.0088%; no homozygotes.

Submissions (4):

Labcorp Genetics (formerly Invitae), Labcorp
Classification: Likely benign. Last evaluated: 2026-01-26. Review status: criteria provided, single submitter. Criteria: Invitae Variant Classification Sherloc (09022015). Collection method: clinical testing. Allele origin: germline.

Women's Health and Genetics/Laboratory Corporation of America, LabCorp
Classification: Benign. Last evaluated: 2022-08-20. Review status: criteria provided, single submitter. Criteria: LabCorp Variant Classification Summary - May 2015. Collection method: clinical testing. Allele origin: germline.

Ambry Genetics
Classification: Likely benign. Last evaluated: 2019-06-16. Review status: criteria provided, single submitter. Criteria: Ambry Variant Classification Scheme 2023. Collection method: clinical testing. Allele origin: germline.

PreventionGenetics, part of Exact Sciences
Classification: Likely benign for A2ML1-related condition. Last evaluated: 2020-04-16. Review status: no assertion criteria provided. Collection method: clinical testing. Allele origin: germline. Not counted in ClinVar's aggregate classification.
Comment: This variant is classified as likely benign based on ACMG/AMP sequence variant interpretation guidelines (Richards et al. 2015 PMID: 25741868, with internal and published modifications).

NM_144670.6(A2ML1):c.3381G>A (p.Ser1127=)

Gene: A2ML1 (alpha-2-macroglobulin like 1; plus strand). Cytogenetic location: 12p13.31.
Variant type: single nucleotide variant.
Coding change: c.3381G>A on transcript NM_144670.6 (MANE Select); coding-DNA position 3381, G replaced by A.
Protein change: p.Ser1127=; no amino-acid change (serine 1127 retained).
Molecular consequence: synonymous variant.
Genome position (GRCh38, 1-based): chr12:8,861,176, G>A. VCF-style: chr12-8861176-G-A. GRCh37 (hg19) VCF-style: chr12-9013772-G-A.
Other names: c.1908G>A, p.Ser636= (NM_001282424.3).
Identifiers: ClinVar variation 1705163 (VCV001705163.10), dbSNP rs769643895, ClinGen allele CA6436368.